The following is an entry in ClinVar:

ClinVar aggregate classification (germline): Likely benign (0 of 4 stars; one submission).

Conditions:
SEMA7A-related disorder. Also called: SEMA7A-related condition.

Allele frequency attached by ClinVar (database versions not stated): gnomAD 0.00001; TOPMed 0.00002.
gnomAD v4.1: 31 of 1,611,176 alleles (0.0019%); highest among the groups gnomAD compares: African/African-American, 0.0027%; no homozygotes.

Submission:

PreventionGenetics, part of Exact Sciences
Classification: Likely benign for SEMA7A-related condition. Last evaluated: 2019-09-05. Review status: no assertion criteria provided. Collection method: clinical testing. Allele origin: germline.
Comment: This variant is classified as likely benign based on ACMG/AMP sequence variant interpretation guidelines (Richards et al. 2015 PMID: 25741868, with internal and published modifications).

NM_003612.5(SEMA7A):c.339C>T (p.Ile113=)

Gene: SEMA7A (semaphorin 7A (JohnMiltonHagen blood group); minus strand). Cytogenetic location: 15q24.1.
Variant type: single nucleotide variant.
Coding change: c.339C>T on transcript NM_003612.5 (MANE Select); coding-DNA position 339, C replaced by T.
Protein change: p.Ile113=; no amino-acid change (isoleucine 113 retained).
Molecular consequence: synonymous variant. On other transcripts: 5 prime UTR variant (1), intron variant (1).
Genome position (GRCh38, 1-based): chr15:74,418,301, G>A on the plus strand (C>T on the coding strand, the complement: SEMA7A is on the minus strand). VCF-style: chr15-74418301-G-A. GRCh37 (hg19) VCF-style: chr15-74710642-G-A.
Other names: c.-157C>T (NM_001146030.3); c.331-332C>T (NM_001146029.3).
Identifiers: ClinVar variation 3052608 (VCV003052608.2), dbSNP rs540617650, ClinGen allele CA7657299.
Genomic context (GRCh38, chr15:74,418,301, plus strand): 5'-CCCCTCCATACCCCCTCCCCCACTCACCCGCTTATCCAGACAGGACCCCTTTGTGGAGCC[G>A]ATATTCACCTGGGGGAAGGGGAGAAGCATTAGTTCAATCTGCCAGGGGTGAGGTACCCCT-3'
Protein context (NP_003603.1, residues 103-123): GKNASVRTVN[Ile113=]GSTKGSCLDK